The following is an entry in ClinVar:

NM_005359.6(SMAD4):c.453T>C (p.Asn151=)

Gene: SMAD4 (SMAD family member 4; plus strand). Cytogenetic location: 18q21.2.
Variant type: single nucleotide variant.
Coding change: c.453T>C on transcript NM_005359.6 (MANE Select); coding-DNA position 453, T replaced by C.
Protein change: p.Asn151=; no amino-acid change (asparagine 151 retained).
Molecular consequence: synonymous variant. On other transcripts: non-coding transcript variant (2).
Genome position (GRCh38, 1-based): chr18:51,049,323, T>C. VCF-style: chr18-51049323-T-C. GRCh37 (hg19) VCF-style: chr18-48575693-T-C.
Other names: c.453T>C, p.Asn151= (NM_001407041.1, NM_001407042.1, NM_001407043.1).
Identifiers: ClinVar variation 2993835 (VCV002993835.5), dbSNP rs2511370399, ClinGen allele CA503873662.

ClinVar aggregate classification (germline): Uncertain significance. Review status: criteria provided, single submitter (1 of 4 stars). 2 submissions from 2 submitters: Uncertain significance (1). 1 of the submissions does not count toward it. Last evaluated 2024-04-23.

Conditions:
SMAD4-related disorder. Also called: SMAD4-related condition; SMAD4-Related disorders.
Juvenile polyposis syndrome (JPS). Identifiers: Orphanet 2929, MedGen C0345893, MONDO:0017380, OMIM 174900.

Submissions (2):

Labcorp Genetics (formerly Invitae), Labcorp
Classification: Uncertain significance for Juvenile polyposis syndrome. Last evaluated: 2024-04-23. Review status: criteria provided, single submitter. Criteria: Invitae Variant Classification Sherloc (09022015). Collection method: clinical testing. Allele origin: germline.
Comment: This sequence change affects codon 151 of the SMAD4 mRNA. It is a 'silent' change, meaning that it does not change the encoded amino acid sequence of the SMAD4 protein. It affects a nucleotide within the consensus splice site. This variant is not present in population databases (gnomAD no frequency). This variant has not been reported in the literature in individuals affected with SMAD4-related conditions. Algorithms developed to predict the effect of sequence changes on RNA splicing suggest that this variant is not likely to affect RNA splicing. In summary, the available evidence is currently insufficient to determine the role of this variant in disease. Therefore, it has been classified as a Variant of Uncertain Significance.

PreventionGenetics, part of Exact Sciences
Classification: Likely benign for SMAD4-related condition. Last evaluated: 2020-12-04. Review status: no assertion criteria provided. Collection method: clinical testing. Allele origin: germline. Not counted in ClinVar's aggregate classification.
Comment: This variant is classified as likely benign based on ACMG/AMP sequence variant interpretation guidelines (Richards et al. 2015 PMID: 25741868, with internal and published modifications).